The following is an entry in ClinVar:

ClinVar aggregate classification (germline): Uncertain significance (1 of 4 stars; one submission).

Conditions:
Glycogen storage disease due to muscle and heart glycogen synthase deficiency. Also called: GSD 0b; MUSCLE GLYCOGEN SYNTHASE DEFICIENCY. Identifiers: Orphanet 137625, MedGen C1969054, MONDO:0012693, OMIM 611556.

Allele frequency attached by ClinVar (database versions not stated): TOPMed 0.00001.
gnomAD v4.1: 3 of 1,544,890 alleles (0.00019%); highest among the groups gnomAD compares: Admixed American, 0.002%; no homozygotes.

Submission:

Labcorp Genetics (formerly Invitae), Labcorp
Classification: Uncertain significance for Glycogen storage disease due to muscle and heart glycogen synthase deficiency. Last evaluated: 2022-08-09. Review status: criteria provided, single submitter. Criteria: Invitae Variant Classification Sherloc (09022015). Collection method: clinical testing. Allele origin: germline.
Comment: In summary, the available evidence is currently insufficient to determine the role of this variant in disease. Therefore, it has been classified as a Variant of Uncertain Significance. Algorithms developed to predict the effect of missense changes on protein structure and function (SIFT, PolyPhen-2, Align-GVGD) all suggest that this variant is likely to be tolerated. ClinVar contains an entry for this variant (Variation ID: 1018906). This variant has not been reported in the literature in individuals affected with GYS1-related conditions. The frequency data for this variant in the population databases is considered unreliable, as metrics indicate poor data quality at this position in the gnomAD database. This sequence change replaces alanine, which is neutral and non-polar, with threonine, which is neutral and polar, at codon 682 of the GYS1 protein (p.Ala682Thr).

NM_002103.5(GYS1):c.2044G>A (p.Ala682Thr)

Gene: GYS1 (glycogen synthase 1; minus strand). Cytogenetic location: 19q13.33.
Variant type: single nucleotide variant.
Coding change: c.2044G>A on transcript NM_002103.5 (MANE Select); coding-DNA position 2044, G replaced by A.
Protein change: p.Ala682Thr; replaces alanine 682 with threonine.
Molecular consequence: missense variant. On other transcripts: non-coding transcript variant (1).
Genome position (GRCh38, 1-based): chr19:48,969,458, C>T on the plus strand (G>A on the coding strand, the complement: GYS1 is on the minus strand). VCF-style: chr19-48969458-C-T. GRCh37 (hg19) VCF-style: chr19-49472715-C-T.
Other names: c.1852G>A, p.Ala618Thr (NM_001161587.2); short protein forms A618T, A682T.
Identifiers: ClinVar variation 1018906 (VCV001018906.8), dbSNP rs1419163800, ClinGen allele CA406759333.
Genomic context (GRCh38, chr19:48,969,458, plus strand): 5'-AGGAGGTGCAGGACGCTCGGCGCGGCCACTCTGGTGCACGGATGTTGCGCCGGTCCTTGG[C>T]GGCCTCCTCGTCCTCATCGTAGCGCTCGCCGTCTTCCTCCAGCGGCCCGTTCCGGGGATC-3'
Protein context (NP_002094.2, residues 672-692): GERYDEDEEA[Ala682Thr]KDRRNIRAPE